The following is an entry in ClinVar:

NM_004370.6(COL12A1):c.4240C>T (p.Arg1414Ter)

Gene: COL12A1 (collagen type XII alpha 1 chain; minus strand). Cytogenetic location: 6q13.
Variant type: single nucleotide variant.
Coding change: c.4240C>T on transcript NM_004370.6 (MANE Select); coding-DNA position 4240, C replaced by T.
Protein change: p.Arg1414Ter; replaces arginine 1414 with a stop codon.
Molecular consequence: nonsense.
Genome position (GRCh38, 1-based): chr6:75,148,405, G>A on the plus strand (C>T on the coding strand, the complement: COL12A1 is on the minus strand). VCF-style: chr6-75148405-G-A. GRCh37 (hg19) VCF-style: chr6-75858121-G-A.
Other names: c.748C>T, p.Arg250Ter (NM_080645.3); short protein forms R1414*, R250*.
Identifiers: ClinVar variation 853507 (VCV000853507.18), dbSNP rs1767310072, ClinGen allele CA364745462.
Genomic context (GRCh38, chr6:75,148,405, plus strand): 5'-TGTTCCTACTCACTTCTTGACGTTTCCCTCCAGAAACTGGATAGTATTCCACCTTATATC[G>A]ATCCACACTGTCAGAAGGTGGTGTCCAGCTCACTCTAAAAGAACGATGGGTTCGCTCAGA-3'

ClinVar aggregate classification (germline): Pathogenic/Likely pathogenic. Review status: criteria provided, multiple submitters, no conflicts (2 of 4 stars). 4 submissions from 4 submitters: Pathogenic (3); Likely pathogenic (1). Last evaluated 2026-03-24.

Conditions:
Bethlem myopathy 2 (BTHLM2). Identifiers: Orphanet 536516, Orphanet 610, MedGen C4225313, MONDO:0034022, OMIM 616471.
Ullrich congenital muscular dystrophy 2 (UCMD2). Identifiers: Orphanet 75840, MedGen C4225314, MONDO:0014654, OMIM 616470.

Allele frequency attached by ClinVar (database versions not stated): TOPMed below 0.00001; gnomAD exomes below 0.00001.
gnomAD v4.1: 5 of 1,613,244 alleles (0.00031%); highest among the groups gnomAD compares: Non-Finnish European, 0.00042%; no homozygotes.

Submissions (4):

GeneDx
Classification: Pathogenic. Last evaluated: 2026-03-24. Review status: criteria provided, single submitter. Criteria: GeneDx Variant Classification Process June 2021. Collection method: clinical testing. Allele origin: germline.
Comment: Nonsense variant predicted to result in protein truncation or nonsense mediated decay in a gene for which loss of function is a known mechanism of disease; Not observed at significant frequency in large population cohorts (gnomAD); This variant is associated with the following publications: (PMID: 39087360)

Labcorp Genetics (formerly Invitae), Labcorp
Classification: Pathogenic for Bethlem myopathy 2; Ullrich congenital muscular dystrophy 2. Last evaluated: 2023-12-17. Review status: criteria provided, single submitter. Criteria: Invitae Variant Classification Sherloc (09022015). Collection method: clinical testing. Allele origin: germline.
Comment: This sequence change creates a premature translational stop signal (p.Arg1414*) in the COL12A1 gene. It is expected to result in an absent or disrupted protein product. Loss-of-function variants in COL12A1 are known to be pathogenic (PMID: 24334604, 28973083). This variant is not present in population databases (gnomAD no frequency). This variant has not been reported in the literature in individuals affected with COL12A1-related conditions. ClinVar contains an entry for this variant (Variation ID: 853507). For these reasons, this variant has been classified as Pathogenic.

Fulgent Genetics
Classification: Likely pathogenic for Ullrich congenital muscular dystrophy 2; Bethlem myopathy 2. Last evaluated: 2022-03-28. Review status: criteria provided, single submitter. Criteria: ACMG Guidelines, 2015. Collection method: clinical testing. Allele origin: unknown.

ARUP Laboratories, Molecular Genetics and Genomics, ARUP Laboratories
Classification: Pathogenic. Last evaluated: 2020-02-03. Review status: criteria provided, single submitter. Criteria: ARUP Molecular Germline Variant Investigation Process. Collection method: clinical testing. Allele origin: germline.

Literature cited by the submitters: PubMed 24334604 (cited by Labcorp Genetics (formerly Invitae), Labcorp); PubMed 28973083 (cited by Labcorp Genetics (formerly Invitae), Labcorp).